The following is an entry in ClinVar:

ClinVar aggregate classification (germline): Likely benign. Review status: criteria provided, multiple submitters, no conflicts (2 of 4 stars). 2 submissions from 2 submitters: Likely benign (2). Last evaluated 2026-03-01.

Allele frequency attached by ClinVar (database versions not stated): gnomAD 0.00001; gnomAD exomes 0.00001; ExAC 0.00002; TOPMed 0.00003.
gnomAD v4.1: 18 of 1,613,668 alleles (0.0011%); highest among the groups gnomAD compares: Admixed American, 0.01%; no homozygotes.

Submissions (2):

CeGaT Center for Human Genetics Tuebingen
Classification: Likely benign. Last evaluated: 2026-03-01. Review status: criteria provided, single submitter. Criteria: CeGaT Center For Human Genetics Tuebingen Variant Classification Criteria Version 2. Collection method: clinical testing. Allele origin: germline. Affected: yes. Observed: 1 variant allele.
Comment: C1S: BP4, BP7

Labcorp Genetics (formerly Invitae), Labcorp
Classification: Likely benign. Last evaluated: 2025-12-08. Review status: criteria provided, single submitter. Criteria: Invitae Variant Classification Sherloc (09022015). Collection method: clinical testing. Allele origin: germline.

NM_001734.5(C1S):c.363G>A (p.Thr121=)

Gene: C1S (complement C1s; plus strand). Cytogenetic location: 12p13.31.
Variant type: single nucleotide variant.
Coding change: c.363G>A on transcript NM_001734.5 (MANE Select); coding-DNA position 363, G replaced by A.
Protein change: p.Thr121=; no amino-acid change (threonine 121 retained).
Molecular consequence: synonymous variant. On other transcripts: 5 prime UTR variant (1).
Genome position (GRCh38, 1-based): chr12:7,063,039, G>A. VCF-style: chr12-7063039-G-A. GRCh37 (hg19) VCF-style: chr12-7170343-G-A.
Other names: c.-139G>A (NM_001346850.2); c.363G>A, p.Thr121= (NM_201442.4).
Identifiers: ClinVar variation 2977664 (VCV002977664.7), dbSNP rs782348549, ClinGen allele CA6423379.